The following is an entry in ClinVar:

NM_017668.3(NDE1):c.530G>A (p.Arg177Gln)

Gene: NDE1 (nudE neurodevelopment protein 1; plus strand). Cytogenetic location: 16p13.11.
Variant type: single nucleotide variant.
Coding change: c.530G>A on transcript NM_017668.3 (MANE Select); coding-DNA position 530, G replaced by A.
Protein change: p.Arg177Gln; replaces arginine 177 with glutamine.
Molecular consequence: missense variant.
Genome position (GRCh38, 1-based): chr16:15,691,150, G>A. VCF-style: chr16-15691150-G-A. GRCh37 (hg19) VCF-style: chr16-15785007-G-A.
Other names: c.530G>A, p.Arg177Gln (NM_001143979.2); short protein forms R177Q.
Identifiers: ClinVar variation 1933497 (VCV001933497.3), dbSNP rs1232186532, ClinGen allele CA394855879.

ClinVar aggregate classification (germline): Uncertain significance (1 of 4 stars; one submission).

Allele frequency attached by ClinVar (database versions not stated): gnomAD exomes 0.00001; TOPMed 0.00001.
gnomAD v4.1: 9 of 1,614,052 alleles (0.00056%); highest among the groups gnomAD compares: Admixed American, 0.0017%; no homozygotes.

Submissions (2):

Labcorp Genetics (formerly Invitae), Labcorp
Classification: Uncertain significance. Last evaluated: 2022-03-18. Review status: criteria provided, single submitter. Criteria: Invitae Variant Classification Sherloc (09022015). Collection method: clinical testing. Allele origin: germline.
Comment: This sequence change replaces arginine, which is basic and polar, with glutamine, which is neutral and polar, at codon 177 of the NDE1 protein (p.Arg177Gln). This variant is present in population databases (no rsID available, gnomAD 0.003%). This variant has not been reported in the literature in individuals affected with NDE1-related conditions. Algorithms developed to predict the effect of missense changes on protein structure and function are either unavailable or do not agree on the potential impact of this missense change (SIFT: "Deleterious"; PolyPhen-2: "Benign"; Align-GVGD: "Class C0"). In summary, the available evidence is currently insufficient to determine the role of this variant in disease. Therefore, it has been classified as a Variant of Uncertain Significance.

Dr. Peter K. Rogan Lab, Western University
No classification provided (evidence only). Condition: Colon adenocarcinoma. Review status: no classification provided. Collection method: in vitro. Allele origin: not applicable. Functional consequence: retained intron. Not counted in ClinVar's aggregate classification.